The following is an entry in ClinVar:

ClinVar aggregate classification (germline): Benign (1 of 4 stars; one submission).

Allele frequency attached by ClinVar (database versions not stated): 1000 Genomes Project 30x 0.10400; 1000 Genomes Project 0.10463; TOPMed 0.12275; gnomAD 0.12771 and 0.12911.
gnomAD v4.1: 19,452 of 152,126 alleles (13%); highest among the groups gnomAD compares: Non-Finnish European, 16%; 1,401 homozygotes.

Submission:

GeneDx
Classification: Benign. Last evaluated: 2018-06-16. Review status: criteria provided, single submitter. Criteria: GeneDx Variant Classification (06012015). Collection method: clinical testing. Allele origin: germline. Affected: yes.
Comment: This variant is considered likely benign or benign based on one or more of the following criteria: it is a conservative change, it occurs at a poorly conserved position in the protein, it is predicted to be benign by multiple in silico algorithms, and/or has population frequency not consistent with disease.

NM_001244710.2(GFPT1):c.1725+285T>G

Gene: GFPT1 (glutamine--fructose-6-phosphate transaminase 1; minus strand). Cytogenetic location: 2p13.3.
Variant type: single nucleotide variant.
Coding change: c.1725+285T>G on transcript NM_001244710.2 (MANE Select); 285 bases into the intron after coding-DNA position 1725, T replaced by G.
Molecular consequence: intron variant.
Genome position (GRCh38, 1-based): chr2:69,329,012, A>C on the plus strand (T>G on the coding strand, the complement: GFPT1 is on the minus strand). VCF-style: chr2-69329012-A-C. GRCh37 (hg19) VCF-style: chr2-69556144-A-C.
Other names: c.1671+285T>G (NM_002056.4).
Identifiers: ClinVar variation 673466 (VCV000673466.1), dbSNP rs55885494, ClinGen allele CA11251984.